The following is an entry in ClinVar:

ClinVar aggregate classification (germline): Likely benign (0 of 4 stars; one submission).

Conditions:
ANKRD26-related disorder. Also called: ANKRD26-related condition.

Allele frequency attached by ClinVar (database versions not stated): gnomAD exomes below 0.00001.
gnomAD v4.1: 2 of 1,610,678 alleles (0.00012%); highest among the groups gnomAD compares: Admixed American, 0.0017%; no homozygotes.

Submission:

PreventionGenetics, part of Exact Sciences
Classification: Likely benign for ANKRD26-related condition. Last evaluated: 2022-04-17. Review status: no assertion criteria provided. Collection method: clinical testing. Allele origin: germline.
Comment: This variant is classified as likely benign based on ACMG/AMP sequence variant interpretation guidelines (Richards et al. 2015 PMID: 25741868, with internal and published modifications).

NM_014915.3(ANKRD26):c.1611A>G (p.Glu537=)

Gene: ANKRD26 (ankyrin repeat domain containing 26; minus strand). Cytogenetic location: 10p12.1.
Variant type: single nucleotide variant.
Coding change: c.1611A>G on transcript NM_014915.3 (MANE Select); coding-DNA position 1611, A replaced by G.
Protein change: p.Glu537=; no amino-acid change (glutamic acid 537 retained).
Molecular consequence: synonymous variant.
Genome position (GRCh38, 1-based): chr10:27,053,344, T>C on the plus strand (A>G on the coding strand, the complement: ANKRD26 is on the minus strand). VCF-style: chr10-27053344-T-C. GRCh37 (hg19) VCF-style: chr10-27342273-T-C.
Other names: c.1611A>G, p.Glu537= (NM_001256053.2).
Identifiers: ClinVar variation 3045501 (VCV003045501.2), dbSNP rs1240976321, ClinGen allele CA468487414.